The following is an entry in ClinVar:

NM_004407.4(DMP1):c.244C>G (p.Gln82Glu)

Genes: DMP1 (dentin matrix acidic phosphoprotein 1; plus strand), DMP1-AS1 (DMP1 and DSPP antisense RNA 1; minus strand). Cytogenetic location: 4q22.1.
Variant type: single nucleotide variant.
Coding change: c.244C>G on transcript NM_004407.4 (MANE Select); coding-DNA position 244, C replaced by G.
Protein change: p.Gln82Glu; replaces glutamine 82 with glutamic acid.
Molecular consequence: missense variant.
Genome position (GRCh38, 1-based): chr4:87,662,022, C>G. VCF-style: chr4-87662022-C-G. GRCh37 (hg19) VCF-style: chr4-88583174-C-G.
Other names: c.196C>G, p.Gln66Glu (NM_001079911.3); short protein forms Q82E, Q66E.
Identifiers: ClinVar variation 1918642 (VCV001918642.5), dbSNP rs111824908, ClinGen allele CA101381828.
Genomic context (GRCh38, chr4:87,662,022, plus strand): 5'-GCAAATGAAGACCCCAGTGACAGCACTCAGTCAGAGGAGGGCCTGGGCTCTGATGATCAT[C>G]AATACATTTATAGGCTAGCTGGTGGCTTCTCCAGGAGCACAGGAAAAGGAGGAGATGATA-3'
Protein context (NP_004398.1, residues 72-92): SEEGLGSDDH[Gln82Glu]YIYRLAGGFS

ClinVar aggregate classification (germline): Uncertain significance (1 of 4 stars; one submission).

Allele frequency attached by ClinVar (database versions not stated): TOPMed 0.00001.

Submission:

Labcorp Genetics (formerly Invitae), Labcorp
Classification: Uncertain significance. Last evaluated: 2022-04-04. Review status: criteria provided, single submitter. Criteria: Invitae Variant Classification Sherloc (09022015). Collection method: clinical testing. Allele origin: germline.
Comment: This sequence change replaces glutamine, which is neutral and polar, with glutamic acid, which is acidic and polar, at codon 82 of the DMP1 protein (p.Gln82Glu). This variant is not present in population databases (gnomAD no frequency). This variant has not been reported in the literature in individuals affected with DMP1-related conditions. Algorithms developed to predict the effect of missense changes on protein structure and function output the following: SIFT: "Tolerated"; PolyPhen-2: "Possibly Damaging"; Align-GVGD: "Class C0". The glutamic acid amino acid residue is found in multiple mammalian species, which suggests that this missense change does not adversely affect protein function. In summary, the available evidence is currently insufficient to determine the role of this variant in disease. Therefore, it has been classified as a Variant of Uncertain Significance.